The following is an entry in ClinVar:

NM_153460.4(IL17RC):c.2152G>A (p.Asp718Asn)

Genes: IL17RC (interleukin 17 receptor C; plus strand), LOC129936144 (ATAC-STARR-seq lymphoblastoid silent region 14051; plus strand). Cytogenetic location: 3p25.3.
Variant type: single nucleotide variant.
Coding change: c.2152G>A on transcript NM_153460.4 (MANE Select); coding-DNA position 2152, G replaced by A.
Protein change: p.Asp718Asn; replaces aspartic acid 718 with asparagine.
Molecular consequence: missense variant. On other transcripts: non-coding transcript variant (1).
Genome position (GRCh38, 1-based): chr3:9,933,582, G>A. VCF-style: chr3-9933582-G-A. GRCh37 (hg19) VCF-style: chr3-9975266-G-A.
Other names: c.2113G>A, p.Asp705Asn (NM_001203263.2); c.2062G>A, p.Asp688Asn (NM_001203264.2); c.2056G>A, p.Asp686Asn (NM_001203265.2); c.2074G>A, p.Asp692Asn (NM_001367278.1); c.1993G>A, p.Asp665Asn (NM_001367279.1); c.2068G>A, p.Asp690Asn (NM_001367280.1); c.2107G>A, p.Asp703Asn (NM_032732.6); c.2365G>A, p.Asp789Asn (NM_153461.4); short protein forms D789N, D718N, D665N, D688N, D705N, D703N, D686N, D690N.
Identifiers: ClinVar variation 567761 (VCV000567761.8), dbSNP rs755919625, ClinGen allele CA2247514.

ClinVar aggregate classification (germline): Uncertain significance. Review status: criteria provided, multiple submitters, no conflicts (2 of 4 stars). 2 submissions from 2 submitters: Uncertain significance (2). Last evaluated 2026-01-07.

Conditions:
Candidiasis, familial, 9 (CANDF9). Identifiers: Orphanet 1334, MedGen C4225324, MONDO:0014642, OMIM 616445.

Allele frequency attached by ClinVar (database versions not stated): gnomAD exomes 0.00003 and 0.00015; gnomAD 0.00007 and 0.00008; ExAC 0.00009; TOPMed 0.00010.
gnomAD v4.1: 52 of 1,596,632 alleles (0.0033%); highest among the groups gnomAD compares: Admixed American, 0.076%; no homozygotes.

Submissions (2):

Labcorp Genetics (formerly Invitae), Labcorp
Classification: Uncertain significance for Candidiasis, familial, 9. Last evaluated: 2026-01-07. Review status: criteria provided, single submitter. Criteria: Invitae Variant Classification Sherloc (09022015). Collection method: clinical testing. Allele origin: germline.
Comment: This sequence change replaces aspartic acid, which is acidic and polar, with asparagine, which is neutral and polar, at codon 789 of the IL17RC protein (p.Asp789Asn). This variant is present in population databases (rs755919625, gnomAD 0.09%), and has an allele count higher than expected for a pathogenic variant. This variant has not been reported in the literature in individuals affected with IL17RC-related conditions. ClinVar contains an entry for this variant (Variation ID: 567761). Experimental studies and prediction algorithms are not available or were not evaluated, and the functional significance of this variant is currently unknown. In summary, the available evidence is currently insufficient to determine the role of this variant in disease. Therefore, it has been classified as a Variant of Uncertain Significance.

Ambry Genetics
Classification: Uncertain significance. Last evaluated: 2025-09-04. Review status: criteria provided, single submitter. Criteria: Ambry Variant Classification Scheme 2023. Collection method: clinical testing. Allele origin: germline.